The following is an entry in ClinVar:

NM_018838.5(NDUFA12):c.69T>G (p.Tyr23Ter)

Gene: NDUFA12 (NADH:ubiquinone oxidoreductase subunit A12; minus strand). Cytogenetic location: 12q22.
Variant type: single nucleotide variant.
Coding change: c.69T>G on transcript NM_018838.5 (MANE Select); coding-DNA position 69, T replaced by G.
Protein change: p.Tyr23Ter; replaces tyrosine 23 with a stop codon.
Molecular consequence: nonsense.
Genome position (GRCh38, 1-based): chr12:95,003,612, A>C on the plus strand (T>G on the coding strand, the complement: NDUFA12 is on the minus strand). VCF-style: chr12-95003612-A-C. GRCh37 (hg19) VCF-style: chr12-95397388-A-C.
Other names: c.69T>G, p.Tyr23Ter (NM_001258338.2); short protein forms Y23*.
Identifiers: ClinVar variation 1030675 (VCV001030675.6), dbSNP rs774252307, ClinGen allele CA6722647.
Genomic context (GRCh38, chr12:95,003,612, plus strand): 5'-AAGTCCAGCCCCAGAGGCCAAGAGCATGGCTCTGGCCGCCTACCTGAAAAAAACCCGTAG[A>C]TAGCCTCGGAGACCGCCGTGGCCGGTGATCTGCTGCAGCCCGCGTTTCAGGACCTGCACT-3'

ClinVar aggregate classification (germline): Pathogenic/Likely pathogenic. Review status: criteria provided, multiple submitters, no conflicts (2 of 4 stars). 3 submissions from 3 submitters: Pathogenic (2); Likely pathogenic (1). Last evaluated 2026-01-28.

Conditions:
Mitochondrial complex I deficiency, nuclear type 23. Also called: Mitochondrial complex 1 deficiency, nuclear type 23. Identifiers: MedGen C4748799, MONDO:0032627, OMIM 618244.

Allele frequency attached by ClinVar (database versions not stated): gnomAD exomes 0.00001 and 0.00002; ExAC 0.00003.
gnomAD v4.1: 6 of 1,614,190 alleles (0.00037%); highest among the groups gnomAD compares: Admixed American, 0.01%; no homozygotes.

Submissions (3):

GeneDx
Classification: Pathogenic. Last evaluated: 2026-01-28. Review status: criteria provided, single submitter. Criteria: GeneDx Variant Classification Process June 2021. Collection method: clinical testing. Allele origin: germline.
Comment: Nonsense variant predicted to result in protein truncation or nonsense mediated decay in a gene for which loss of function is a known mechanism of disease; This variant is associated with the following publications: (PMID: 41234160)

Labcorp Genetics (formerly Invitae), Labcorp
Classification: Pathogenic. Last evaluated: 2026-01-06. Review status: criteria provided, single submitter. Criteria: Invitae Variant Classification Sherloc (09022015). Collection method: clinical testing. Allele origin: germline.
Comment: This sequence change creates a premature translational stop signal (p.Tyr23*) in the NDUFA12 gene. It is expected to result in an absent or disrupted protein product. Loss-of-function variants in NDUFA12 are known to be pathogenic (PMID: 21617257, 28454995). This variant is present in population databases (rs774252307, gnomAD 0.02%). This variant has not been reported in the literature in individuals affected with NDUFA12-related conditions. ClinVar contains an entry for this variant (Variation ID: 1030675). For these reasons, this variant has been classified as Pathogenic.

Baylor Genetics
Classification: Likely pathogenic for Mitochondrial complex I deficiency, nuclear type 23. Last evaluated: 2020-01-07. Review status: criteria provided, single submitter. Criteria: ACMG Guidelines, 2015. Collection method: clinical testing. Allele origin: unknown. Affected: yes.
Comment: This variant was determined to be likely pathogenic according to ACMG Guidelines, 2015 [PMID:25741868].

Literature cited by the submitters: PubMed 21617257 (cited by Labcorp Genetics (formerly Invitae), Labcorp); PubMed 28454995 (cited by Labcorp Genetics (formerly Invitae), Labcorp).